The following is an entry in ClinVar:

ClinVar aggregate classification (germline): Uncertain significance. Review status: criteria provided, multiple submitters, no conflicts (2 of 4 stars). 3 submissions from 3 submitters: Uncertain significance (3). Last evaluated 2025-08-11.

Conditions:
Hereditary cancer-predisposing syndrome. Also called: Hereditary neoplastic syndrome; Neoplastic Syndromes, Hereditary; Tumor predisposition; Hereditary Cancer Syndrome. Identifiers: Orphanet 140162, MedGen C0027672, MeSH D009386, MONDO:0015356.
Neurofibromatosis, type 2 (SWNV). Also called: NF2-Related Schwannomatosis; BILATERAL ACOUSTIC NEUROFIBROMATOSIS; SCHWANNOMATOSIS, VESTIBULAR. Identifiers: Orphanet 637, MedGen C0027832, MONDO:0007039, OMIM 101000. Disease mechanism: loss of function.

Submissions (3):

Labcorp Genetics (formerly Invitae), Labcorp
Classification: Uncertain significance for Neurofibromatosis, type 2. Last evaluated: 2025-08-11. Review status: criteria provided, single submitter. Criteria: Invitae Variant Classification Sherloc (09022015). Collection method: clinical testing. Allele origin: germline.
Comment: This sequence change replaces isoleucine, which is neutral and non-polar, with phenylalanine, which is neutral and non-polar, at codon 487 of the NF2 protein (p.Ile487Phe). This variant is not present in population databases (gnomAD no frequency). This missense change has been observed in individual(s) with clinical features of NF2-related conditions (PMID: 29685074). ClinVar contains an entry for this variant (Variation ID: 2902077). Invitae Evidence Modeling of protein sequence and biophysical properties (such as structural, functional, and spatial information, amino acid conservation, physicochemical variation, residue mobility, and thermodynamic stability) indicates that this missense variant is not expected to disrupt NF2 protein function with a negative predictive value of 80%. In summary, the available evidence is currently insufficient to determine the role of this variant in disease. Therefore, it has been classified as a Variant of Uncertain Significance.

All of Us Research Program, National Institutes of Health
Classification: Uncertain significance for Neurofibromatosis, type 2. Last evaluated: 2024-06-11. Review status: criteria provided, single submitter. Criteria: ACMG Guidelines, 2015. Collection method: clinical testing. Allele origin: germline. Inheritance: Autosomal dominant inheritance. Observed: 1 variant allele, 1 heterozygote.
Comment: This study involves interpretation of variants in research participants for the purpose of population health screening. Participant phenotype was not available at the time of variant classification. Additional details can be found in publication PMID: 35346344, PMCID: PMC8962531

Ambry Genetics
Classification: Uncertain significance for Hereditary cancer-predisposing syndrome. Last evaluated: 2023-10-15. Review status: criteria provided, single submitter. Criteria: Ambry Variant Classification Scheme 2023. Collection method: clinical testing. Allele origin: germline.
Comment: The p.I487F variant (also known as c.1459A>T), located in coding exon 14 of the NF2 gene, results from an A to T substitution at nucleotide position 1459. The isoleucine at codon 487 is replaced by phenylalanine, an amino acid with highly similar properties. This amino acid position is conserved. In addition, this alteration is predicted to be tolerated by in silico analysis. Since supporting evidence is limited at this time, the clinical significance of this alteration remains unclear.

Literature cited by the submitters: PubMed 29685074 (cited by Labcorp Genetics (formerly Invitae), Labcorp).

NM_000268.4(NF2):c.1459A>T (p.Ile487Phe)

Gene: NF2 (NF2, moesin-ezrin-radixin like (MERLIN) tumor suppressor; plus strand). Cytogenetic location: 22q12.2.
Variant type: single nucleotide variant.
Coding change: c.1459A>T on transcript NM_000268.4 (MANE Select); coding-DNA position 1459, A replaced by T.
Protein change: p.Ile487Phe; replaces isoleucine 487 with phenylalanine.
Molecular consequence: missense variant. On other transcripts: non-coding transcript variant (1), intron variant (1).
Genome position (GRCh38, 1-based): chr22:29,678,208, A>T. VCF-style: chr22-29678208-A-T. GRCh37 (hg19) VCF-style: chr22-30074197-A-T.
Other names: c.1345A>T, p.Ile449Phe (NM_001407053.1, NM_001407056.1); c.1336A>T, p.Ile446Phe (NM_001407054.1, NM_001407058.1, NM_181829.3); c.1333A>T, p.Ile445Phe (NM_001407055.1, NM_181828.3); c.1324A>T, p.Ile442Phe (NM_001407057.1, NM_001407059.1); c.1459A>T, p.Ile487Phe (NM_001407060.1, NM_001407066.1, NM_016418.5 and 2 more transcripts); c.1201A>T, p.Ile401Phe (NM_001407062.1); c.1210A>T, p.Ile404Phe (NM_001407063.1, NM_001407064.1, NM_181830.3 and 1 more transcripts); c.925A>T, p.Ile309Phe (NM_001407065.1); and 2 more; short protein forms I309F, I401F, I404F, I446F, I442F, I445F, I449F, I487F.
Identifiers: ClinVar variation 2902077 (VCV002902077.5), dbSNP rs147506929, ClinGen allele CA411149562.